The following is an entry in ClinVar:

ClinVar aggregate classification (germline): Uncertain significance (1 of 4 stars; one submission).

Submission:

GeneDx
Classification: Uncertain significance. Last evaluated: 2022-06-03. Review status: criteria provided, single submitter. Criteria: GeneDx Variant Classification Process June 2021. Collection method: clinical testing. Allele origin: germline. Affected: yes.
Comment: Not observed at significant frequency in large population cohorts (gnomAD); In silico analysis supports that this missense variant has a deleterious effect on protein structure/function; Has not been previously published as pathogenic or benign to our knowledge

NM_001080.3(ALDH5A1):c.1052G>T (p.Gly351Val)

Gene: ALDH5A1 (aldehyde dehydrogenase 5 family member A1; plus strand). Cytogenetic location: 6p22.3.
Variant type: single nucleotide variant.
Coding change: c.1052G>T on transcript NM_001080.3 (MANE Select); coding-DNA position 1052, G replaced by T.
Protein change: p.Gly351Val; replaces glycine 351 with valine.
Molecular consequence: missense variant.
Genome position (GRCh38, 1-based): chr6:24,522,804, G>T. VCF-style: chr6-24522804-G-T. GRCh37 (hg19) VCF-style: chr6-24523032-G-T.
Other names: c.908G>T, p.Gly303Val (NM_001368954.1); c.1091G>T, p.Gly364Val (NM_170740.1); short protein forms G303V, G351V, G364V.
Identifiers: ClinVar variation 1803669 (VCV001803669.1), dbSNP rs2532868151, ClinGen allele CA362975956.